The following is an entry in ClinVar:

NM_001201543.2(FAM161A):c.1432G>A (p.Ala478Thr)

Gene: FAM161A (FAM161 centrosomal protein A; minus strand). Cytogenetic location: 2p15.
Variant type: single nucleotide variant.
Coding change: c.1432G>A on transcript NM_001201543.2 (MANE Select); coding-DNA position 1432, G replaced by A.
Protein change: p.Ala478Thr; replaces alanine 478 with threonine.
Molecular consequence: missense variant. On other transcripts: non-coding transcript variant (1).
Genome position (GRCh38, 1-based): chr2:61,839,572, C>T on the plus strand (G>A on the coding strand, the complement: FAM161A is on the minus strand). VCF-style: chr2-61839572-C-T. GRCh37 (hg19) VCF-style: chr2-62066707-C-T.
Other names: c.1432G>A, p.Ala478Thr (NM_032180.3); short protein forms A478T.
Identifiers: ClinVar variation 2185657 (VCV002185657.1), dbSNP rs777885029, ClinGen allele CA1679159.
Genomic context (GRCh38, chr2:61,839,572, plus strand): 5'-GTGACTTACGCCTTGGAGACAAATAAGGCCAACGTGTTTCTTTTAAATTTTCTTCATCTG[C>T]TTCGATGTCTGCCAAAATTTTTTCTCTTTTAATAGATGCATGTGGAGATGCATGAAGATC-3'
Protein context (NP_001188472.1, residues 468-488): KREKILADIE[Ala478Thr]DEENLKETRW

ClinVar aggregate classification (germline): Uncertain significance (1 of 4 stars; one submission).

Allele frequency attached by ClinVar (database versions not stated): ExAC 0.00001; gnomAD 0.00001; gnomAD exomes 0.00001; TOPMed 0.00002.
gnomAD v4.1: 19 of 1,614,052 alleles (0.0012%); highest among the groups gnomAD compares: Non-Finnish European, 0.0015%; no homozygotes.

Submission:

Labcorp Genetics (formerly Invitae), Labcorp
Classification: Uncertain significance. Last evaluated: 2022-08-22. Review status: criteria provided, single submitter. Criteria: Invitae Variant Classification Sherloc (09022015). Collection method: clinical testing. Allele origin: germline.
Comment: This sequence change replaces alanine, which is neutral and non-polar, with threonine, which is neutral and polar, at codon 478 of the FAM161A protein (p.Ala478Thr). This variant is present in population databases (rs777885029, gnomAD 0.007%). This variant has not been reported in the literature in individuals affected with FAM161A-related conditions. Algorithms developed to predict the effect of missense changes on protein structure and function are either unavailable or do not agree on the potential impact of this missense change (SIFT: "Tolerated"; PolyPhen-2: "Possibly Damaging"; Align-GVGD: "Class C0"). In summary, the available evidence is currently insufficient to determine the role of this variant in disease. Therefore, it has been classified as a Variant of Uncertain Significance.